The following is an entry in ClinVar:

ClinVar aggregate classification (germline): Uncertain significance. Review status: criteria provided, multiple submitters, no conflicts (2 of 4 stars). 5 submissions from 5 submitters: Uncertain significance (5). Last evaluated 2025-12-21.

Conditions:
Hereditary cancer-predisposing syndrome. Also called: Tumor predisposition; Hereditary neoplastic syndrome; Neoplastic Syndromes, Hereditary; Hereditary Cancer Syndrome. Identifiers: Orphanet 140162, MedGen C0027672, MeSH D009386, MONDO:0015356.
Endometrial carcinoma. Also called: Endometrial carcinoma, somatic. Identifiers: MedGen C0476089, MONDO:0002447, OMIM 608089, HP:0012114.

Allele frequency attached by ClinVar (database versions not stated): ExAC 0.00001; gnomAD exomes 0.00001; TOPMed 0.00005.
gnomAD v4.1: 8 of 1,613,352 alleles (0.0005%); highest among the groups gnomAD compares: African/African-American, 0.008%; no homozygotes.

Submissions (5):

Labcorp Genetics (formerly Invitae), Labcorp
Classification: Uncertain significance. Last evaluated: 2025-12-21. Review status: criteria provided, single submitter. Criteria: Invitae Variant Classification Sherloc (09022015). Collection method: clinical testing. Allele origin: germline.
Comment: This sequence change replaces histidine, which is basic and polar, with arginine, which is basic and polar, at codon 817 of the MSH3 protein (p.His817Arg). This variant is present in population databases (rs764649920, gnomAD 0.01%). This variant has not been reported in the literature in individuals affected with MSH3-related conditions. ClinVar contains an entry for this variant (Variation ID: 836984). An algorithm developed to predict the effect of missense changes on protein structure and function (PolyPhen-2) suggests that this variant is likely to be disruptive. In summary, the available evidence is currently insufficient to determine the role of this variant in disease. Therefore, it has been classified as a Variant of Uncertain Significance.

Ambry Genetics
Classification: Uncertain significance for Hereditary cancer-predisposing syndrome. Last evaluated: 2025-07-17. Review status: criteria provided, single submitter. Criteria: Ambry Variant Classification Scheme 2023. Collection method: clinical testing. Allele origin: germline.
Comment: The p.H817R variant (also known as c.2450A>G), located in coding exon 18 of the MSH3 gene, results from an A to G substitution at nucleotide position 2450. The histidine at codon 817 is replaced by arginine, an amino acid with highly similar properties. This amino acid position is highly conserved in available vertebrate species. In addition, the in silico prediction for this alteration is inconclusive. Based on the available evidence, the clinical significance of this variant remains unclear.

Baylor Genetics
Classification: Uncertain significance for Endometrial carcinoma. Last evaluated: 2024-01-22. Review status: criteria provided, single submitter. Criteria: ACMG Guidelines, 2015. Collection method: clinical testing. Allele origin: unknown.

Blueprint Genetics
Classification: Uncertain significance. Last evaluated: 2024-01-05. Review status: criteria provided, single submitter. Criteria: ACMG Guidelines, 2015. Collection method: clinical testing. Allele origin: germline.

GeneDx
Classification: Uncertain significance. Last evaluated: 2022-04-12. Review status: criteria provided, single submitter. Criteria: GeneDx Variant Classification Process June 2021. Collection method: clinical testing. Allele origin: germline. Affected: yes.
Comment: Not observed at significant frequency in large population cohorts (gnomAD); In silico analysis supports that this missense variant does not alter protein structure/function; Has not been previously published as pathogenic or benign to our knowledge

NM_002439.5(MSH3):c.2450A>G (p.His817Arg)

Gene: MSH3 (mutS homolog 3; plus strand). Cytogenetic location: 5q14.1.
Variant type: single nucleotide variant.
Coding change: c.2450A>G on transcript NM_002439.5 (MANE Select); coding-DNA position 2450, A replaced by G.
Protein change: p.His817Arg; replaces histidine 817 with arginine.
Molecular consequence: missense variant.
Genome position (GRCh38, 1-based): chr5:80,787,579, A>G. VCF-style: chr5-80787579-A-G. GRCh37 (hg19) VCF-style: chr5-80083398-A-G.
Other names: short protein forms H817R.
Identifiers: ClinVar variation 836984 (VCV000836984.16), dbSNP rs764649920, ClinGen allele CA3328263.